The following is an entry in ClinVar:

ClinVar aggregate classification (germline): Uncertain significance (1 of 4 stars; one submission).

Submission:

Labcorp Genetics (formerly Invitae), Labcorp
Classification: Uncertain significance. Last evaluated: 2025-02-12. Review status: criteria provided, single submitter. Criteria: Invitae Variant Classification Sherloc (09022015). Collection method: clinical testing. Allele origin: germline.
Comment: This sequence change falls in intron 18 of the IGF1R gene. It does not directly change the encoded amino acid sequence of the IGF1R protein. It affects a nucleotide within the consensus splice site. This variant is present in population databases (no rsID available, gnomAD 0.0009%). This variant has not been reported in the literature in individuals affected with IGF1R-related conditions. ClinVar contains an entry for this variant (Variation ID: 2874024). Variants that disrupt the consensus splice site are a relatively common cause of aberrant splicing (PMID: 17576681, 9536098). Algorithms developed to predict the effect of sequence changes on RNA splicing suggest that this variant is not likely to affect RNA splicing. In summary, the available evidence is currently insufficient to determine the role of this variant in disease. Therefore, it has been classified as a Variant of Uncertain Significance.

Literature cited by the submitters: PubMed 17576681; PubMed 9536098.

NM_000875.5(IGF1R):c.3458-3C>T

Gene: IGF1R (insulin like growth factor 1 receptor; plus strand). Cytogenetic location: 15q26.3.
Variant type: single nucleotide variant.
Coding change: c.3458-3C>T on transcript NM_000875.5 (MANE Select); 3 bases into the intron before coding-DNA position 3458, C replaced by T.
Molecular consequence: intron variant.
Genome position (GRCh38, 1-based): chr15:98,942,920, C>T. VCF-style: chr15-98942920-C-T. GRCh37 (hg19) VCF-style: chr15-99486149-C-T.
Other names: c.3455-3C>T (NM_001291858.2).
Identifiers: ClinVar variation 2874024 (VCV002874024.3), dbSNP rs1486205465, ClinGen allele CA620063882.